The following is an entry in ClinVar:

NM_001352754.2(ARMC9):c.592A>G (p.Ile198Val)

Gene: ARMC9 (armadillo repeat containing 9; plus strand). Cytogenetic location: 2q37.1.
Variant type: single nucleotide variant.
Coding change: c.592A>G on transcript NM_001352754.2 (MANE Select); coding-DNA position 592, A replaced by G.
Protein change: p.Ile198Val; replaces isoleucine 198 with valine.
Molecular consequence: missense variant. On other transcripts: non-coding transcript variant (1).
Genome position (GRCh38, 1-based): chr2:231,222,815, A>G. VCF-style: chr2-231222815-A-G. GRCh37 (hg19) VCF-style: chr2-232087528-A-G.
Other names: c.592A>G, p.Ile198Val (NM_001271466.4, NM_001291656.2, NM_001352755.2 and 5 more transcripts); short protein forms I198V.
Identifiers: ClinVar variation 1497285 (VCV001497285.6), dbSNP rs2125334397, ClinGen allele CA350947754.

ClinVar aggregate classification (germline): Uncertain significance (1 of 4 stars; one submission).

Submission:

Labcorp Genetics (formerly Invitae), Labcorp
Classification: Uncertain significance. Last evaluated: 2020-12-24. Review status: criteria provided, single submitter. Criteria: Invitae Variant Classification Sherloc (09022015). Collection method: clinical testing. Allele origin: germline.
Comment: In summary, the available evidence is currently insufficient to determine the role of this variant in disease. Therefore, it has been classified as a Variant of Uncertain Significance. This sequence change replaces isoleucine with valine at codon 198 of the ARMC9 protein (p.Ile198Val). The isoleucine residue is weakly conserved and there is a small physicochemical difference between isoleucine and valine. This variant is not present in population databases (ExAC no frequency). This variant has not been reported in the literature in individuals with ARMC9-related conditions. Experimental studies and prediction algorithms are not available or were not evaluated, and the functional significance of this variant is currently unknown.